The following is an entry in ClinVar:

NM_177438.3(DICER1):c.4608T>A (p.Gly1536=)

Gene: DICER1 (dicer 1, ribonuclease III; minus strand). Cytogenetic location: 14q32.13.
Variant type: single nucleotide variant.
Coding change: c.4608T>A on transcript NM_177438.3 (MANE Select); coding-DNA position 4608, T replaced by A.
Protein change: p.Gly1536=; no amino-acid change (glycine 1536 retained).
Molecular consequence: synonymous variant. On other transcripts: non-coding transcript variant (6).
Genome position (GRCh38, 1-based): chr14:95,096,312, A>T on the plus strand (T>A on the coding strand, the complement: DICER1 is on the minus strand). VCF-style: chr14-95096312-A-T. GRCh37 (hg19) VCF-style: chr14-95562649-A-T.
Other names: c.4608T>A, p.Gly1536= (NM_001195573.1, NM_001271282.3, NM_001291628.2 and 12 more transcripts); c.4326T>A, p.Gly1442= (NM_001395686.1); c.4203T>A, p.Gly1401= (NM_001395687.1, NM_001395688.1, NM_001395689.1 and 2 more transcripts); c.4041T>A, p.Gly1347= (NM_001395691.1); c.2925T>A, p.Gly975= (NM_001395697.1).
Identifiers: ClinVar variation 4011641 (VCV004011641.2).

ClinVar aggregate classification (germline): Benign/Likely benign. Review status: criteria provided, multiple submitters, no conflicts (2 of 4 stars). 2 submissions from 2 submitters: Benign (1); Likely benign (1). Last evaluated 2026-04-20.

Conditions:
Hereditary cancer-predisposing syndrome. Also called: Neoplastic Syndromes, Hereditary; Tumor predisposition; Hereditary Cancer Syndrome; Hereditary neoplastic syndrome. Identifiers: Orphanet 140162, MedGen C0027672, MeSH D009386, MONDO:0015356.
DICER1-related tumor predisposition. Also called: DICER1-related pleuropulmonary blastoma cancer predisposition syndrome; DICER1 syndrome. Identifiers: Orphanet 284343, MedGen C3839822, MONDO:0100216.

Submissions (2):

Myriad Genetics, Inc.
Classification: Benign for DICER1-related tumor predisposition. Last evaluated: 2026-04-20. Review status: criteria provided, single submitter. Criteria: Myriad Autosomal Dominant, Autosomal Recessive and X-Linked Classification Criteria (2023). Collection method: clinical testing. Allele origin: unknown.
Comment: This variant is considered benign. This variant is a silent/synonymous amino acid change and it is not expected to impact splicing.

Ambry Genetics
Classification: Likely benign for Hereditary cancer-predisposing syndrome. Last evaluated: 2025-04-19. Review status: criteria provided, single submitter. Criteria: Ambry Variant Classification Scheme 2023. Collection method: clinical testing. Allele origin: germline.